The following is an entry in ClinVar:

NM_000747.3(CHRNB1):c.301C>T (p.Leu101Phe)

Gene: CHRNB1 (cholinergic receptor nicotinic beta 1 subunit; plus strand). Cytogenetic location: 17p13.1.
Variant type: single nucleotide variant.
Coding change: c.301C>T on transcript NM_000747.3 (MANE Select); coding-DNA position 301, C replaced by T.
Protein change: p.Leu101Phe; replaces leucine 101 with phenylalanine.
Molecular consequence: missense variant.
Genome position (GRCh38, 1-based): chr17:7,446,890, C>T. VCF-style: chr17-7446890-C-T. GRCh37 (hg19) VCF-style: chr17-7350209-C-T.
Other names: short protein forms L101F.
Identifiers: ClinVar variation 1375490 (VCV001375490.8), dbSNP rs1908655813, ClinGen allele CA397790474.

ClinVar aggregate classification (germline): Uncertain significance (1 of 4 stars; one submission).

Conditions:
Congenital myasthenic syndrome 2A. Also called: Myasthenic syndrome, congenital, 2a, slow-channel. Identifiers: Orphanet 590, MedGen C4225374, MONDO:0014581, OMIM 616313.

Allele frequency attached by ClinVar (database versions not stated): gnomAD exomes below 0.00001; TOPMed below 0.00001; gnomAD 0.00001.

Submission:

Labcorp Genetics (formerly Invitae), Labcorp
Classification: Uncertain significance for Congenital myasthenic syndrome 2A. Last evaluated: 2022-06-20. Review status: criteria provided, single submitter. Criteria: Invitae Variant Classification Sherloc (09022015). Collection method: clinical testing. Allele origin: germline.
Comment: This variant has not been reported in the literature in individuals affected with CHRNB1-related conditions. This sequence change replaces leucine, which is neutral and non-polar, with phenylalanine, which is neutral and non-polar, at codon 101 of the CHRNB1 protein (p.Leu101Phe). This variant is not present in population databases (gnomAD no frequency). Algorithms developed to predict the effect of missense changes on protein structure and function are either unavailable or do not agree on the potential impact of this missense change (SIFT: "Deleterious"; PolyPhen-2: "Probably Damaging"; Align-GVGD: "Class C0"). In summary, the available evidence is currently insufficient to determine the role of this variant in disease. Therefore, it has been classified as a Variant of Uncertain Significance.